The following is an entry in ClinVar:

NM_000051.4(ATM):c.5178-11G>A

Gene: ATM (ATM serine/threonine kinase; plus strand). Cytogenetic location: 11q22.3.
Variant type: single nucleotide variant.
Coding change: c.5178-11G>A on transcript NM_000051.4 (MANE Select); 11 bases into the intron before coding-DNA position 5178, G replaced by A.
Molecular consequence: intron variant.
Genome position (GRCh38, 1-based): chr11:108,301,637, G>A. VCF-style: chr11-108301637-G-A. GRCh37 (hg19) VCF-style: chr11-108172364-G-A.
Other names: c.5178-11G>A (NM_001351834.2).
Identifiers: ClinVar variation 379634 (VCV000379634.16), dbSNP rs200876654, ClinGen allele CA16606193.
Genomic context (GRCh38, chr11:108,301,637, plus strand): 5'-TCAGTGGAGGTTAACATTCATCAAGATTAATAACTGGTGTACTTGATAGGCATTTGAATT[G>A]TTTTTTTCAGTGTCAAAGTTCGATCAGCAGCTGTTACCTGTTTGAAAAACATTTTAGCCA-3'

ClinVar aggregate classification (germline): Conflicting classifications of pathogenicity. Review status: criteria provided, conflicting classifications (1 of 4 stars). 7 submissions from 7 submitters: Uncertain significance (1); Likely benign (4). 2 of the submissions do not count toward it. Last evaluated 2026-01-28.

Conditions:
Hereditary cancer-predisposing syndrome. Also called: Hereditary neoplastic syndrome; Tumor predisposition; Neoplastic Syndromes, Hereditary; Hereditary Cancer Syndrome. Identifiers: Orphanet 140162, MedGen C0027672, MeSH D009386, MONDO:0015356.
Familial cancer of breast. Also called: Hereditary breast cancer; BREAST CANCER, FAMILIAL; hereditary breast carcinoma. Identifiers: Orphanet 227535, MedGen C0346153, MONDO:0016419, OMIM 114480. Disease mechanism: loss of function.
Ataxia-telangiectasia syndrome (AT). Also called: LOUIS-BAR SYNDROME; ATAXIA-TELANGIECTASIA, COMPLEMENTATION GROUP A; ATAXIA-TELANGIECTASIA, FRESNO VARIANT; Ataxia-telangiectasia; Ataxia telangiectasia (A-T); Cerebello-oculocutaneous telangiectasia. Identifiers: Orphanet 100, MedGen C0004135, MONDO:0008840, OMIM 208900.

Allele frequency attached by ClinVar (database versions not stated): gnomAD 0.00001; TOPMed 0.00001.
gnomAD v4.1: 22 of 1,612,970 alleles (0.0014%); highest among the groups gnomAD compares: Middle Eastern, 0.066%; no homozygotes.

Submissions (7):

Labcorp Genetics (formerly Invitae), Labcorp
Classification: Likely benign for Ataxia-telangiectasia syndrome. Last evaluated: 2026-01-28. Review status: criteria provided, single submitter. Criteria: Invitae Variant Classification Sherloc (09022015). Collection method: clinical testing. Allele origin: germline.

Myriad Genetics, Inc.
Classification: Likely benign for Familial cancer of breast. Last evaluated: 2024-05-22. Review status: criteria provided, single submitter. Criteria: Myriad Autosomal Dominant, Autosomal Recessive and X-Linked Classification Criteria (2023). Collection method: clinical testing. Allele origin: unknown.
Comment: This variant is considered likely benign. This variant is intronic and is not expected to impact mRNA splicing.

Sema4
Classification: Uncertain significance for Hereditary cancer-predisposing syndrome. Last evaluated: 2021-10-08. Review status: criteria provided, single submitter. Criteria: Sema4 Curation Guidelines. Collection method: curation. Allele origin: germline.
Comment: The ATM c.5178-11G>A variant has been reported in individuals with breast cancer (PMID: 28779002). The variant is observed in 1/251114 chromosomes in the large and broad cohorts of the Genome Aggregation Database (PMID: 32461654). The variant has been reported in ClinVar (Variation ID 379634). This variant does not overlap a splice site and algorithms developed to predict the effect of sequence changes on RNA splicing do not suggest negative effect on normal splicing. These predictions have not been confirmed by published functional studies. There is no indication that this variant causes disease, but the evidence is insufficient currently to prove that conclusively. Thus, the clinical significance of this variant is currently uncertain.

GeneDx
Classification: Likely benign. Last evaluated: 2017-06-07. Review status: criteria provided, single submitter. Criteria: GeneDx Variant Classification (06012015). Collection method: clinical testing. Allele origin: germline. Affected: yes.
Comment: This variant is considered likely benign or benign based on one or more of the following criteria: it is a conservative change, it occurs at a poorly conserved position in the protein, it is predicted to be benign by multiple in silico algorithms, and/or has population frequency not consistent with disease.

Color Diagnostics, LLC DBA Color Health
Classification: Likely benign for Hereditary cancer-predisposing syndrome. Last evaluated: 2017-03-20. Review status: criteria provided, single submitter. Criteria: ACMG Guidelines, 2015. Collection method: clinical testing. Allele origin: germline.

Counsyl
Classification: Likely benign for Ataxia-telangiectasia syndrome. Last evaluated: 2018-01-22. Review status: no assertion criteria provided. Collection method: clinical testing. Allele origin: unknown. Not counted in ClinVar's aggregate classification.

Department of Pathology and Laboratory Medicine, Sinai Health System
Classification: Likely benign. Review status: no assertion criteria provided. Collection method: clinical testing. Allele origin: unknown. Affected: yes. Study: The Canadian Open Genetics Repository (COGR). Not counted in ClinVar's aggregate classification.
Comment: The ATM c.5178-11G>A variant was not identified in the literature nor was it identified in the Cosmic, MutDB, ATM-LOVD, LOVD 3.0 databases, and GeneInsight â€šÃ„Ã¬ COGR (unavailable). The variant was identified in dbSNP (ID: rs200876654) â€šÃ„ÃºWith Likely benign alleleâ€šÃ„Ã¹, ClinVar (classified as likely benign by GeneDx), Clinvitae (1x), and in control databases in 1 of 245882 chromosomes at a frequency of 0.000004 increasing the likelihood that this may be a low frequency benign variant in certain populations of origin (Genome Aggregation Consortium Feb 27, 2017), being identified in the following population: Other in 1 of 5472 chromosomes (frequency: 0.0002). In summary, based on the above information the clinical significance of this variant cannot be determined with certainty at this time although we would lean towards a more benign role for this variant. This variant is classified as likely benign.

Literature cited by the submitters: PubMed 28779002 (cited by Sema4).